The following is an entry in ClinVar:

ClinVar aggregate classification (germline): Uncertain significance. Review status: criteria provided, multiple submitters, no conflicts (2 of 4 stars). 2 submissions from 2 submitters: Uncertain significance (2). Last evaluated 2025-03-08.

Conditions:
Inborn genetic diseases. Identifiers: MedGen C0950123, MeSH D030342.

Allele frequency attached by ClinVar (database versions not stated): gnomAD exomes below 0.00001; gnomAD 0.00001; TOPMed 0.00001.
gnomAD v4.1: 7 of 1,607,672 alleles (0.00044%); highest among the groups gnomAD compares: African/African-American, 0.004%; no homozygotes.

Submissions (2):

Ambry Genetics
Classification: Uncertain significance for Inborn genetic diseases. Last evaluated: 2025-03-08. Review status: criteria provided, single submitter. Criteria: Ambry Variant Classification Scheme 2023. Collection method: clinical testing. Allele origin: germline.

Labcorp Genetics (formerly Invitae), Labcorp
Classification: Uncertain significance. Last evaluated: 2020-01-23. Review status: criteria provided, single submitter. Criteria: Invitae Variant Classification Sherloc (09022015). Collection method: clinical testing. Allele origin: germline.
Comment: This sequence change replaces arginine with cysteine at codon 571 of the ZNF408 protein (p.Arg571Cys). The arginine residue is highly conserved and there is a large physicochemical difference between arginine and cysteine. This variant is not present in population databases (ExAC no frequency). This variant has not been reported in the literature in individuals with ZNF408-related conditions. Algorithms developed to predict the effect of missense changes on protein structure and function are either unavailable or do not agree on the potential impact of this missense change (SIFT: "Deleterious"; PolyPhen-2: "Probably Damaging"; Align-GVGD: "Class C0"). In summary, the available evidence is currently insufficient to determine the role of this variant in disease. Therefore, it has been classified as a Variant of Uncertain Significance.

NM_024741.3(ZNF408):c.1711C>T (p.Arg571Cys)

Gene: ZNF408 (zinc finger protein 408; plus strand). Cytogenetic location: 11p11.2.
Variant type: single nucleotide variant.
Coding change: c.1711C>T on transcript NM_024741.3 (MANE Select); coding-DNA position 1711, C replaced by T.
Protein change: p.Arg571Cys; replaces arginine 571 with cysteine.
Molecular consequence: missense variant.
Genome position (GRCh38, 1-based): chr11:46,705,411, C>T. VCF-style: chr11-46705411-C-T. GRCh37 (hg19) VCF-style: chr11-46726961-C-T.
Other names: c.1687C>T, p.Arg563Cys (NM_001184751.2); c.1711C>T (NM_024741.2); short protein forms R563C, R571C.
Identifiers: ClinVar variation 1055072 (VCV001055072.10), dbSNP rs1294823060, ClinGen allele CA380257374.
Genomic context (GRCh38, chr11:46,705,411, plus strand): 5'-CACTTGTGCCCGGTGTGTGGCAAGGCCCTCCGAGACCCACACACGCTCCGAGCTCACGAG[C>T]GCCTGCACTCCGGAGAGAGGCCCTTTCCCTGTCCCCAGTGTGGCCGTGCTTACACGCTGG-3'
Protein context (NP_079017.1, residues 561-581): RDPHTLRAHE[Arg571Cys]LHSGERPFPC